The following is an entry in ClinVar:

ClinVar aggregate classification (germline): Likely pathogenic (1 of 4 stars; one submission).

Conditions:
Polycystic kidney disease, adult type (PKD1). Also called: POLYCYSTIC KIDNEY DISEASE, ADULT, TYPE I; Polycystic Kidney, Autosomal Dominant; Polycystic Kidney Disease 1, Autosomal Dominant; Polycystic kidney disease 1; Polycystic kidney disease 1, severe; POLYCYSTIC KIDNEY DISEASE 1 WITH OR WITHOUT POLYCYSTIC LIVER DISEASE. Identifiers: MedGen C3149841, MONDO:0008263, OMIM 173900.

Submission:

Juno Genomics, Hangzhou Juno Genomics, Inc
Classification: Likely pathogenic for Polycystic kidney disease, adult type. Review status: criteria provided, single submitter. Criteria: ACMG Guidelines, 2015. Collection method: clinical testing. Allele origin: germline.
Comment: Absent from controls (or at extremely low frequency if recessive) in Genome Aggregation Database.;Null variant in a gene where loss of function (LOF) is a known mechanism of disease.;Patient's phenotype or family history is highly specific for a disease with a single genetic etiology.

NM_001009944.3(PKD1):c.11880_11950del (p.Asp3960fs)

Gene: PKD1 (polycystin 1, transient receptor potential channel interacting; minus strand). Cytogenetic location: 16p13.3.
Variant type: Deletion.
Coding change: c.11880_11950del on transcript NM_001009944.3 (MANE Select); coding-DNA positions 11880 to 11950, 71 bases deleted.
Protein change: p.Asp3960fs; shifts the reading frame from aspartic acid 3960.
Molecular consequence: frameshift variant.
Genome position (GRCh38, 1-based): chr16:2,090,937-2,091,007, 71 bases deleted. GRCh37 (hg19): chr16:2,140,943-2,141,013.
Other names: c.11877_11947del, p.Asp3959fs (NM_000296.4); short protein forms D3959fs, D3960fs.
Identifiers: ClinVar variation 5005518 (VCV005005518.2).